The following is an entry in ClinVar:

NM_000540.3(RYR1):c.5688GGA[1] (p.Glu1898del)

Gene: RYR1 (ryanodine receptor 1; plus strand). Cytogenetic location: 19q13.2.
Variant type: Microsatellite.
Coding change: c.5688GGA[1] on transcript NM_000540.3 (MANE Select); one copy of the 3-base unit GGA starting at c.5688; the reference has two copies in a row; one copy, 3 bases deleted; also written c.5691_5693del.
Protein change: p.Glu1898del; deletes glutamic acid 1898.
Molecular consequence: inframe deletion.
Genome position (GRCh38, 1-based): chr19:38,489,320-38,489,322, GGA deleted; deleting any 3 consecutive bases within chr19:38,489,315-38,489,322 gives the same sequence; the position shown is the placement nearest the transcript's 3' end. VCF-style (leftmost placement, unchanged base first): chr19-38489314-TGAG-T. GRCh37 (hg19) VCF-style: chr19-38979954-TGAG-T.
Other names: c.5688GGA[1], p.Glu1898del (NM_001042723.2); c.5691_5693delGGA (NM_000540.2); c.5691_5693del (NM_000540.3); short protein forms E1898del.
Identifiers: ClinVar variation 544387 (VCV000544387.6), dbSNP rs772076294, ClinGen allele CA081857.

ClinVar aggregate classification (germline): Uncertain significance. Review status: criteria provided, multiple submitters, no conflicts (2 of 4 stars). 4 submissions from 4 submitters: Uncertain significance (4). Last evaluated 2025-09-27.

Conditions:
Malignant hyperthermia, susceptibility to, 1 (MHS1). Also called: RYR1-Related Malignant Hyperthermia Susceptibility; Anesthesia related hyperthermia; Malignant hyperpyrexia; Fulminating hyperpyrexia; Pharmacogenic myopathy; Malignant hyperthermia suceptibility 1. Identifiers: Orphanet 423, MedGen C2930980, MONDO:0007783, OMIM 145600.
RYR1-related disorder. Also called: RYR1-related condition; RYR1-related disorders. Identifiers: MedGen CN239331.

Submissions (4):

Labcorp Genetics (formerly Invitae), Labcorp
Classification: Uncertain significance for RYR1-related disorder. Last evaluated: 2025-09-27. Review status: criteria provided, single submitter. Criteria: Invitae Variant Classification Sherloc (09022015). Collection method: clinical testing. Allele origin: germline.
Comment: This variant, c.5691_5693del, results in the deletion of 1 amino acid(s) of the RYR1 protein (p.Glu1898del), but otherwise preserves the integrity of the reading frame. The frequency data for this variant in the population databases is considered unreliable, as metrics indicate poor data quality at this position in the gnomAD database. This variant has not been reported in the literature in individuals affected with RYR1-related conditions. ClinVar contains an entry for this variant (Variation ID: 544387). Experimental studies and prediction algorithms are not available or were not evaluated, and the functional significance of this variant is currently unknown. In summary, the available evidence is currently insufficient to determine the role of this variant in disease. Therefore, it has been classified as a Variant of Uncertain Significance.

All of Us Research Program, National Institutes of Health
Classification: Uncertain significance for Malignant hyperthermia, susceptibility to, 1. Last evaluated: 2023-10-06. Review status: criteria provided, single submitter. Criteria: ACMG Guidelines, 2015. Collection method: clinical testing. Allele origin: germline. Inheritance: Autosomal dominant inheritance. Observed: 1 variant allele, 1 heterozygote.
Comment: This variant causes a deletion of one amino acid in the RYR1 protein. To our knowledge, functional studies have not been reported for this variant. This variant has not been reported in individuals affected with RYR1-related disorders in the literature. This variant has been identified in 4/247754 chromosomes in the general population by the Genome Aggregation Database (gnomAD). The available evidence is insufficient to determine the role of this variant in disease conclusively. Therefore, this variant is classified as a Variant of Uncertain Significance.

This study involves interpretation of variants in research participants for the purpose of population health screening. Participant phenotype was not available at the time of variant classification. Additional details can be found in publication PMID: 35346344, PMCID: PMC8962531

Color Diagnostics, LLC DBA Color Health
Classification: Uncertain significance for Malignant hyperthermia, susceptibility to, 1. Last evaluated: 2023-09-20. Review status: criteria provided, single submitter. Criteria: ACMG Guidelines, 2015. Collection method: clinical testing. Allele origin: germline.
Comment: This variant causes a deletion of one amino acid in the RYR1 protein. To our knowledge, functional studies have not been reported for this variant. This variant has not been reported in individuals affected with RYR1-related disorders in the literature. This variant has been identified in 4/247754 chromosomes in the general population by the Genome Aggregation Database (gnomAD). The available evidence is insufficient to determine the role of this variant in disease conclusively. Therefore, this variant is classified as a Variant of Uncertain Significance.

Women's Health and Genetics/Laboratory Corporation of America, LabCorp
Classification: Uncertain significance. Last evaluated: 2019-08-22. Review status: criteria provided, single submitter. Criteria: LabCorp Variant Classification Summary - May 2015. Collection method: clinical testing. Allele origin: germline.
Comment: Variant summary: RYR1 c.5691_5693delGGA (p.Glu1898del) results in an in-frame deletion that is predicted to remove one amino acid from the encoded protein. The variant allele was found at a frequency of 1.6e-05 in 247754 control chromosomes (gnomAD). The available data on variant occurrences in the general population are insufficient to allow any conclusion about variant significance. To our knowledge, no occurrence of c.5691_5693delGGA in individuals affected with Malignant Hyperthermia Susceptibility and no experimental evidence demonstrating its impact on protein function have been reported. One submitter has provided clinical-significance assessments for this variant to ClinVar after 2014 without evidence for independent evaluation and classified the variant as uncertain significance. Based on the evidence outlined above, the variant was classified as uncertain significance.